The following is an entry in ClinVar:

ClinVar aggregate classification (germline): Uncertain significance (1 of 4 stars; one submission).

Conditions:
Cardiovascular phenotype. Identifiers: MedGen CN230736.

Allele frequency attached by ClinVar (database versions not stated): gnomAD exomes below 0.00001; gnomAD 0.00001; TOPMed 0.00001.
gnomAD v4.1: 2 of 1,613,790 alleles (0.00012%); highest among the groups gnomAD compares: Non-Finnish European, 0.00017%; no homozygotes.

Submission:

Ambry Genetics
Classification: Uncertain significance for Cardiovascular phenotype. Last evaluated: 2020-04-30. Review status: criteria provided, single submitter. Criteria: Ambry Variant Classification Scheme 2023. Collection method: clinical testing. Allele origin: germline.
Comment: The p.S24743C variant (also known as c.74228C>G), located in coding exon 185 of the TTN gene, results from a C to G substitution at nucleotide position 74228. The serine at codon 24743 is replaced by cysteine, an amino acid with dissimilar properties. This amino acid position is not well conserved in available vertebrate species. In addition, this alteration is predicted to be tolerated by in silico analysis. Since supporting evidence is limited at this time, the clinical significance of this alteration remains unclear.

NM_001267550.2(TTN):c.101423C>G (p.Ser33808Cys)

Genes: TTN (titin; minus strand), TTN-AS1 (TTN antisense RNA 1; plus strand). Cytogenetic location: 2q31.2.
Variant type: single nucleotide variant.
Coding change: c.101423C>G on transcript NM_001267550.2 (MANE Select); coding-DNA position 101423, C replaced by G.
Protein change: p.Ser33808Cys; replaces serine 33808 with cysteine.
Molecular consequence: missense variant.
Genome position (GRCh38, 1-based): chr2:178,535,192, G>C on the plus strand (C>G on the coding strand, the complement: TTN is on the minus strand). VCF-style: chr2-178535192-G-C. GRCh37 (hg19) VCF-style: chr2-179399919-G-C.
Other names: c.96500C>G, p.Ser32167Cys (NM_001256850.1); c.74228C>G, p.Ser24743Cys (NM_003319.4); c.93719C>G, p.Ser31240Cys (NM_133378.4); c.74603C>G, p.Ser24868Cys (NM_133432.3); c.74804C>G, p.Ser24935Cys (NM_133437.4); short protein forms S24868C, S24935C, S31240C, S33808C, S24743C, S32167C.
Identifiers: ClinVar variation 1758856 (VCV001758856.2), dbSNP rs1010229231, ClinGen allele CA60959927.